The following is an entry in ClinVar:

NM_000535.7(PMS2):c.1727C>A (p.Thr576Lys)

Gene: PMS2 (PMS1 homolog 2, mismatch repair system component; minus strand). Cytogenetic location: 7p22.1.
Variant type: single nucleotide variant.
Coding change: c.1727C>A on transcript NM_000535.7 (MANE Select); coding-DNA position 1727, C replaced by A.
Protein change: p.Thr576Lys; replaces threonine 576 with lysine.
Molecular consequence: missense variant. On other transcripts: non-coding transcript variant (1), intron variant (1).
Genome position (GRCh38, 1-based): chr7:5,987,038, G>T on the plus strand (C>A on the coding strand, the complement: PMS2 is on the minus strand). VCF-style: chr7-5987038-G-T. GRCh37 (hg19) VCF-style: chr7-6026669-G-T.
Other names: c.1322C>A, p.Thr441Lys (NM_001018040.1, NM_001322003.2, NM_001322004.2 and 17 more transcripts); c.1571C>A, p.Thr524Lys (NM_001322006.2, NM_001406870.1); c.1409C>A, p.Thr470Lys (NM_001322007.2, NM_001322008.2, NM_001406876.1 and 2 more transcripts); c.1166C>A, p.Thr389Lys (NM_001322010.2, NM_001406906.1, NM_001406907.1); c.794C>A, p.Thr265Lys (NM_001322011.2, NM_001322012.2); c.1154C>A, p.Thr385Lys (NM_001322013.2, NM_001406909.1); c.1727C>A, p.Thr576Lys (NM_001322014.2, NM_001406871.1, NM_001406872.1); c.1418C>A, p.Thr473Lys (NM_001322015.2, NM_001406875.1, NM_001406877.1 and 5 more transcripts); and 13 more; short protein forms T405K, T418K, T421K, T470K, T473K, T510K, T520K, T540K.
Identifiers: ClinVar variation 2774127 (VCV002774127.2), dbSNP rs1554297301, ClinGen allele CA366740153.

ClinVar aggregate classification (germline): Uncertain significance (1 of 4 stars; one submission).

Conditions:
Hereditary cancer-predisposing syndrome. Also called: Hereditary neoplastic syndrome; Hereditary Cancer Syndrome; Neoplastic Syndromes, Hereditary; Tumor predisposition. Identifiers: Orphanet 140162, MedGen C0027672, MeSH D009386, MONDO:0015356.

Submission:

Color Diagnostics, LLC DBA Color Health
Classification: Uncertain significance for Hereditary cancer-predisposing syndrome. Last evaluated: 2023-12-05. Review status: criteria provided, single submitter. Criteria: ACMG Guidelines, 2015. Collection method: clinical testing. Allele origin: germline.
Comment: This missense variant replaces threonine with lysine at codon 576 of the PMS2 protein. Computational prediction suggests that this variant may not impact protein structure and function (internally defined REVEL score threshold <= 0.5, PMID: 27666373). To our knowledge, functional studies have not been reported for this variant. This variant has not been reported in individuals affected with PMS2-related disorders in the literature. This variant has not been identified in the general population by the Genome Aggregation Database (gnomAD). The available evidence is insufficient to determine the role of this variant in disease conclusively. Therefore, this variant is classified as a Variant of Uncertain Significance.